The following is an entry in ClinVar:

NM_024664.4(PPCS):c.127G>A (p.Gly43Ser)

Genes: CCDC30 (coiled-coil domain containing 30; plus strand), PPCS (phosphopantothenoylcysteine synthetase; plus strand). Cytogenetic location: 1p34.2.
Variant type: single nucleotide variant.
Coding change: c.127G>A on transcript NM_024664.4 (MANE Select); coding-DNA position 127, G replaced by A.
Protein change: p.Gly43Ser; replaces glycine 43 with serine.
Molecular consequence: missense variant. On other transcripts: intron variant (5), 5 prime UTR variant (2).
Genome position (GRCh38, 1-based): chr1:42,456,692, G>A. VCF-style: chr1-42456692-G-A. GRCh37 (hg19) VCF-style: chr1-42922363-G-A.
Other names: c.-12+193G>A (NM_001287506.1); c.-12+64G>A (NM_001077447.3); c.-12+109G>A (NM_001287509.2); c.-44G>A (NM_001287508.2); c.-566G>A (NM_001287510.2); c.127G>A, p.Gly43Ser (NM_001287511.2); c.-984+193G>A (NM_001355226.2); c.-328+193G>A (NM_001287507.1); short protein forms G43S.
Identifiers: ClinVar variation 1930133 (VCV001930133.2), dbSNP rs868618168, ClinGen allele CA339943763.

ClinVar aggregate classification (germline): Uncertain significance (1 of 4 stars; one submission).

Allele frequency attached by ClinVar (database versions not stated): gnomAD exomes 0.00001.
gnomAD v4.1: 10 of 1,607,060 alleles (0.00062%); highest among the groups gnomAD compares: Non-Finnish European, 0.00076%; no homozygotes.

Submission:

Labcorp Genetics (formerly Invitae), Labcorp
Classification: Uncertain significance. Last evaluated: 2022-06-27. Review status: criteria provided, single submitter. Criteria: Invitae Variant Classification Sherloc (09022015). Collection method: clinical testing. Allele origin: germline.
Comment: This sequence change replaces glycine, which is neutral and non-polar, with serine, which is neutral and polar, at codon 43 of the PPCS protein (p.Gly43Ser). This variant is not present in population databases (gnomAD no frequency). This variant has not been reported in the literature in individuals affected with PPCS-related conditions. Algorithms developed to predict the effect of missense changes on protein structure and function are either unavailable or do not agree on the potential impact of this missense change (SIFT: "Deleterious"; PolyPhen-2: "Probably Damaging"; Align-GVGD: "Class C0"). In summary, the available evidence is currently insufficient to determine the role of this variant in disease. Therefore, it has been classified as a Variant of Uncertain Significance.